The following is an entry in ClinVar:

NM_025144.4(ALPK1):c.965del (p.Asn322fs)

Gene: ALPK1 (alpha kinase 1; plus strand). Cytogenetic location: 4q25.
Variant type: Deletion.
Coding change: c.965del on transcript NM_025144.4 (MANE Select); coding-DNA position 965, one base deleted (A; older notation c.965delA).
Protein change: p.Asn322fs; shifts the reading frame from asparagine 322.
Molecular consequence: frameshift variant.
Genome position (GRCh38, 1-based): chr4:112,430,512, A deleted; the last of 5 consecutive A bases (chr4:112,430,508-112,430,512); deleting any one gives the same sequence. VCF-style (leftmost placement, unchanged base first): chr4-112430507-GA-G. GRCh37 (hg19) VCF-style: chr4-113351663-GA-G.
Other names: c.965del, p.Asn322fs (NM_001102406.2); c.731del, p.Asn244fs (NM_001253884.2); short protein forms N244fs, N322fs.
Identifiers: ClinVar variation 4796924 (VCV004796924.1).

ClinVar aggregate classification (germline): Uncertain significance (1 of 4 stars; one submission).

Submission:

Labcorp Genetics (formerly Invitae), Labcorp
Classification: Uncertain significance. Last evaluated: 2025-04-22. Review status: criteria provided, single submitter. Criteria: Invitae Variant Classification Sherloc (09022015). Collection method: clinical testing. Allele origin: germline.
Comment: This sequence change creates a premature translational stop signal (p.Asn322Thrfs*90) in the ALPK1 gene. It is expected to result in an absent or disrupted protein product. However, the current clinical and genetic evidence is not sufficient to establish whether loss-of-function variants in ALPK1 cause disease. This variant is not present in population databases (gnomAD no frequency). This variant has not been reported in the literature in individuals affected with ALPK1-related conditions. In summary, the available evidence is currently insufficient to determine the role of this variant in disease. Therefore, it has been classified as a Variant of Uncertain Significance.